The following is an entry in ClinVar:

NM_032578.4(MYPN):c.2190G>A (p.Thr730=)

Gene: MYPN (myopalladin; plus strand). Cytogenetic location: 10q21.3.
Variant type: single nucleotide variant.
Coding change: c.2190G>A on transcript NM_032578.4 (MANE Select); coding-DNA position 2190, G replaced by A.
Protein change: p.Thr730=; no amino-acid change (threonine 730 retained).
Molecular consequence: synonymous variant. On other transcripts: non-coding transcript variant (2).
Genome position (GRCh38, 1-based): chr10:68,174,282, G>A. VCF-style: chr10-68174282-G-A. GRCh37 (hg19) VCF-style: chr10-69934039-G-A.
Other names: c.2190G>A, p.Thr730= (NM_001256267.2); c.1308G>A, p.Thr436= (NM_001256268.2).
Identifiers: ClinVar variation 31807 (VCV000031807.24), dbSNP rs71584492, ClinGen allele CA215313.

ClinVar aggregate classification (germline): Likely benign. Review status: criteria provided, multiple submitters, no conflicts (2 of 4 stars). 8 submissions from 8 submitters: Likely benign (6). 2 of the submissions do not count toward it. Last evaluated 2026-01-15.

Conditions:
MYPN-related disorder. Also called: MYPN-related condition.
MYPN-related myopathy (CMYO24). Also called: Nemaline myopathy 11, autosomal recessive. Identifiers: MedGen C4479186, MONDO:0015023, OMIM 617336.
Dilated cardiomyopathy 1KK (CMD1KK). Identifiers: Orphanet 154, Orphanet 75249, MedGen C3714995, MONDO:0014100, OMIM 615248.
Cardiovascular phenotype. Identifiers: MedGen CN230736.

Allele frequency attached by ClinVar (database versions not stated): ExAC 0.00004; gnomAD exomes 0.00005; ESP Exome Variant Server 0.00015; 1000 Genomes Project 0.00020; 1000 Genomes Project 30x 0.00031; TOPMed 0.00034; gnomAD 0.00035 and 0.00040.
gnomAD v4.1: 108 of 1,613,976 alleles (0.0067%); highest among the groups gnomAD compares: African/African-American, 0.12%; no homozygotes.

Submissions (8):

Labcorp Genetics (formerly Invitae), Labcorp
Classification: Likely benign for Dilated cardiomyopathy 1KK. Last evaluated: 2026-01-15. Review status: criteria provided, single submitter. Criteria: Invitae Variant Classification Sherloc (09022015). Collection method: clinical testing. Allele origin: germline.

Blueprint Genetics
Classification: Likely benign. Last evaluated: 2024-07-15. Review status: criteria provided, single submitter. Criteria: ACMG Guidelines, 2015. Collection method: clinical testing. Allele origin: germline.

Fulgent Genetics
Classification: Likely benign for Dilated cardiomyopathy 1KK; MYPN-related myopathy. Last evaluated: 2021-08-15. Review status: criteria provided, single submitter. Criteria: ACMG Guidelines, 2015. Collection method: clinical testing. Allele origin: unknown.

Laboratory for Molecular Medicine, Mass General Brigham Personalized Medicine
Classification: Likely benign. Last evaluated: 2017-05-18. Review status: criteria provided, single submitter. Criteria: LMM Criteria. Collection method: clinical testing. Allele origin: germline. Observed: 2 variant alleles.
Comment: p.Thr730Thr in exon 12 of MYPN: This variant is not expected to have clinical si gnificance because it does not alter an amino acid residue and is not located wi thin the splice consensus sequence. It has been identified in 0.1% (24/24016) of African chromosomes by the Genome Aggregation Database (gnomAD; dbSNP rs71584492).

GeneDx
Classification: Likely benign. Last evaluated: 2017-04-03. Review status: criteria provided, single submitter. Criteria: GeneDx Variant Classification (06012015). Collection method: clinical testing. Allele origin: germline. Affected: yes.
Comment: This variant is considered likely benign or benign based on one or more of the following criteria: it is a conservative change, it occurs at a poorly conserved position in the protein, it is predicted to be benign by multiple in silico algorithms, and/or has population frequency not consistent with disease.

Ambry Genetics
Classification: Likely benign for Cardiovascular phenotype. Last evaluated: 2016-03-30. Review status: criteria provided, single submitter. Criteria: Ambry Variant Classification Scheme 2023. Collection method: clinical testing. Allele origin: germline.

PreventionGenetics, part of Exact Sciences
Classification: Likely benign for MYPN-related condition. Last evaluated: 2024-09-13. Review status: no assertion criteria provided. Collection method: clinical testing. Allele origin: germline. Not counted in ClinVar's aggregate classification.
Comment: This variant is classified as likely benign based on ACMG/AMP sequence variant interpretation guidelines (Richards et al. 2015 PMID: 25741868, with internal and published modifications).

Leiden Muscular Dystrophy (MYPN)
No classification provided. Last evaluated: 2012-04-27. Review status: no classification provided. Collection method: curation. Allele origin: germline. Not counted in ClinVar's aggregate classification.